The following is an entry in ClinVar:

ClinVar aggregate classification (germline): Uncertain significance. Review status: criteria provided, multiple submitters, no conflicts (2 of 4 stars). 2 submissions from 2 submitters: Uncertain significance (2). Last evaluated 2022-06-04.

Conditions:
FG syndrome 4 (FGS4). Identifiers: MedGen C1845546, MONDO:0010318, OMIM 300422.
Intellectual disability, CASK-related, X-linked. Identifiers: MedGen CN043158.

gnomAD v4.1: 3 of 1,177,607 alleles (0.00025%); highest among the groups gnomAD compares: Admixed American, 0.0022%; no homozygotes.

Submissions (2):

Laboratorio de Genetica e Diagnostico Molecular, Hospital Israelita Albert Einstein
Classification: Uncertain significance for FG syndrome 4. Last evaluated: 2022-06-04. Review status: criteria provided, single submitter. Criteria: ACMG Guidelines, 2015. Collection method: clinical testing. Allele origin: germline. Affected: yes. Observed: 1 variant allele.
Comment: ACMG classification criteria: PM2 moderated, BP4 supporting

Labcorp Genetics (formerly Invitae), Labcorp
Classification: Uncertain significance for Intellectual disability, CASK-related, X-linked. Last evaluated: 2021-12-13. Review status: criteria provided, single submitter. Criteria: Invitae Variant Classification Sherloc (09022015). Collection method: clinical testing. Allele origin: germline.
Comment: This missense change has been observed in at least one individual who was not affected with CASK-related conditions (Invitae). Algorithms developed to predict the effect of missense changes on protein structure and function are either unavailable or do not agree on the potential impact of this missense change (SIFT: "Deleterious"; PolyPhen-2: "Benign"; Align-GVGD: "Class C55"). In summary, the available evidence is currently insufficient to determine the role of this variant in disease. Therefore, it has been classified as a Variant of Uncertain Significance. This variant has not been reported in the literature in individuals affected with CASK-related conditions. This variant is present in population databases (no rsID available, gnomAD 0.004%). This sequence change replaces alanine, which is neutral and non-polar, with threonine, which is neutral and polar, at codon 283 of the CASK protein (p.Ala283Thr).

NM_001367721.1(CASK):c.847G>A (p.Ala283Thr)

Gene: CASK (calcium/calmodulin dependent serine protein kinase; minus strand). Cytogenetic location: Xp11.4.
Variant type: single nucleotide variant.
Coding change: c.847G>A on transcript NM_001367721.1 (MANE Select); coding-DNA position 847, G replaced by A.
Protein change: p.Ala283Thr; replaces alanine 283 with threonine.
Molecular consequence: missense variant.
Genome position (GRCh38, 1-based): chrX:41,636,646, C>T on the plus strand (G>A on the coding strand, the complement: CASK is on the minus strand). VCF-style: chrX-41636646-C-T. GRCh37 (hg19) VCF-style: chrX-41495899-C-T.
Other names: c.847G>A, p.Ala283Thr (NM_001126054.3, NM_001126055.3, NM_001410745.1 and 1 more transcripts); short protein forms A283T.
Identifiers: ClinVar variation 1421797 (VCV001421797.7), dbSNP rs1012863843, ClinGen allele CA329242357.
Genomic context (GRCh38, chrX:41,636,646, plus strand): 5'-TCCTCCTTGCATTGAATTTCCTCAGCTGCTCTACTGTTTCTGGAAGATGAATCTTGTAGG[C>T]GTAACGATCCCGCTCCTATGTAAGATGAAAGATAATGAACATATATAACCGTTTAAAAAA-3'
Protein context (NP_001354650.1, residues 273-293): HPWLKERDRY[Ala283Thr]YKIHLPETVE